The following is an entry in ClinVar:

ClinVar aggregate classification (germline): Uncertain significance. Review status: criteria provided, multiple submitters, no conflicts (2 of 4 stars). 3 submissions from 3 submitters: Uncertain significance (2). 1 of the submissions does not count toward it. Last evaluated 2022-09-06.

Conditions:
Severe combined immunodeficiency, autosomal recessive, T cell-negative, B cell-negative, NK cell-positive. Also called: SCID, AR, T-cell negative, B-cell negative, NK cell-positive; Severe combined immunodeficiency due to complete RAG1/2 deficiency; SCID, T CELL-NEGATIVE, B CELL-NEGATIVE, NK CELL-POSITIVE. Identifiers: Orphanet 331206, MedGen C1832322, MONDO:0011086, OMIM 601457.
Combined immunodeficiency with skin granulomas. Identifiers: Orphanet 157949, MedGen C2673536, MONDO:0009306, OMIM 233650.
Histiocytic medullary reticulosis. Also called: Omenn syndrome; SEVERE COMBINED IMMUNODEFICIENCY WITH HYPEREOSINOPHILIA. Identifiers: Orphanet 39041, MedGen C2700553, MONDO:0011338, OMIM 603554.

Allele frequency attached by ClinVar (database versions not stated): gnomAD 0.00001; TOPMed 0.00001; ExAC 0.00002; gnomAD exomes 0.00003.
gnomAD v4.1: 51 of 1,614,072 alleles (0.0032%); highest among the groups gnomAD compares: Non-Finnish European, 0.0042%; no homozygotes.

Submissions (3):

Labcorp Genetics (formerly Invitae), Labcorp
Classification: Uncertain significance for Combined immunodeficiency with skin granulomas; Severe combined immunodeficiency, autosomal recessive, T cell-negative, B cell-negative, NK cell-positive. Last evaluated: 2022-09-06. Review status: criteria provided, single submitter. Criteria: Invitae Variant Classification Sherloc (09022015). Collection method: clinical testing. Allele origin: germline.
Comment: This sequence change replaces threonine, which is neutral and polar, with isoleucine, which is neutral and non-polar, at codon 418 of the RAG2 protein (p.Thr418Ile). This variant is present in population databases (rs781487639, gnomAD 0.004%). This variant has not been reported in the literature in individuals affected with RAG2-related conditions. ClinVar contains an entry for this variant (Variation ID: 660163). Advanced modeling of protein sequence and biophysical properties (such as structural, functional, and spatial information, amino acid conservation, physicochemical variation, residue mobility, and thermodynamic stability) performed at Invitae indicates that this missense variant is not expected to disrupt RAG2 protein function. In summary, the available evidence is currently insufficient to determine the role of this variant in disease. Therefore, it has been classified as a Variant of Uncertain Significance.

Blueprint Genetics
Classification: Uncertain significance. Last evaluated: 2018-08-01. Review status: criteria provided, single submitter. Criteria: ACMG Guidelines, 2015. Collection method: clinical testing. Allele origin: germline.

Natera, Inc.
Classification: Uncertain significance for Omenn syndrome. Last evaluated: 2020-01-24. Review status: no assertion criteria provided. Collection method: clinical testing. Allele origin: germline. Not counted in ClinVar's aggregate classification.

NM_000536.4(RAG2):c.1253C>T (p.Thr418Ile)

Gene: RAG2 (recombination activating 2; minus strand). Cytogenetic location: 11p12.
Variant type: single nucleotide variant.
Coding change: c.1253C>T on transcript NM_000536.4 (MANE Select); coding-DNA position 1253, C replaced by T.
Protein change: p.Thr418Ile; replaces threonine 418 with isoleucine.
Molecular consequence: missense variant.
Genome position (GRCh38, 1-based): chr11:36,592,916, G>A on the plus strand (C>T on the coding strand, the complement: RAG2 is on the minus strand). VCF-style: chr11-36592916-G-A. GRCh37 (hg19) VCF-style: chr11-36614466-G-A.
Other names: c.1253C>T, p.Thr418Ile (NM_001243785.2, NM_001243786.2); short protein forms T418I.
Identifiers: ClinVar variation 660163 (VCV000660163.9), dbSNP rs781487639, ClinGen allele CA5950445.
Genomic context (GRCh38, chr11:36,592,916, plus strand): 5'-AGCTCAGTTGAATAGAATGGTACCCAAGTGTTGATATCCACATCACAAGTAGGGCAGCAT[G>A]TAATCCAGTAGCCTGTCTCAGACTCATCTTCTTCATCATCTTCATTATAGGTGTCAAATT-3'
Protein context (NP_000527.2, residues 408-428): EDESETGYWI[Thr418Ile]CCPTCDVDIN